The following is an entry in ClinVar:

ClinVar aggregate classification (germline): Benign/Likely benign. Review status: criteria provided, multiple submitters, no conflicts (2 of 4 stars). 9 submissions from 9 submitters: Benign (5); Likely benign (1). 3 of the submissions do not count toward it. Last evaluated 2026-02-03.

Conditions:
Bardet-Biedl syndrome (BBS). Identifiers: Orphanet 110, MedGen C0752166, MONDO:0015229.
Bardet-Biedl syndrome 10 (BBS10). Identifiers: Orphanet 110, MedGen C1859568, MONDO:0014438, OMIM 615987.

Allele frequency attached by ClinVar (database versions not stated): gnomAD exomes 0.00055 and 0.00129; ExAC 0.00160; 1000 Genomes Project 0.00459; 1000 Genomes Project 30x 0.00500; gnomAD 0.00518 and 0.00560; ESP Exome Variant Server 0.00592; TOPMed 0.00615.
gnomAD v4.1: 1,625 of 1,612,722 alleles (0.1%); highest among the groups gnomAD compares: African/African-American, 1.9%; 19 homozygotes.

Submissions (9):

Labcorp Genetics (formerly Invitae), Labcorp
Classification: Benign for Bardet-Biedl syndrome. Last evaluated: 2026-02-03. Review status: criteria provided, single submitter. Criteria: Invitae Variant Classification Sherloc (09022015). Collection method: clinical testing. Allele origin: germline.

Blueprint Genetics
Classification: Likely benign. Last evaluated: 2024-10-09. Review status: criteria provided, single submitter. Criteria: ACMG Guidelines, 2015. Collection method: clinical testing. Allele origin: germline.

Women's Health and Genetics/Laboratory Corporation of America, LabCorp
Classification: Benign. Last evaluated: 2018-10-19. Review status: criteria provided, single submitter. Criteria: LabCorp Variant Classification Summary - May 2015. Collection method: clinical testing. Allele origin: germline.
Comment: Variant summary: BBS10 c.966T>C alters a conserved nucleotide resulting in a synonymous change. 5/5 computational tools predict no significant impact on normal splicing. However, these predictions have yet to be confirmed by functional studies. The variant allele was found at a frequency of 0.0016 in 275878 control chromosomes, predominantly at a frequency of 0.018 within the African subpopulation in the gnomAD database, including 1 homozygote. The observed variant frequency within African control individuals in the gnomAD database is approximately 13.5 fold of the estimated maximal expected allele frequency for a pathogenic variant in BBS10 causing Bardet-Biedl Syndrome phenotype (0.0013), strongly suggesting that the variant is a benign polymorphism found primarily in populations of African origin. To our knowledge, no occurrence of c.966T>C in individuals affected with Bardet-Biedl Syndrome and no experimental evidence demonstrating its impact on protein function have been reported. Three clinical diagnostic laboratories have submitted clinical-significance assessments for this variant to ClinVar after 2014 without evidence for independent evaluation. Based on the evidence outlined above, the variant was classified as benign.

Illumina Laboratory Services, Illumina
Classification: Benign for Bardet-Biedl syndrome 10. Last evaluated: 2018-01-13. Review status: criteria provided, single submitter. Criteria: ICSL Variant Classification Criteria 13 December 2019. Collection method: clinical testing. Allele origin: germline.
Comment: This variant was observed in the ICSL laboratory as part of a predisposition screen in an ostensibly healthy population. It had not been previously curated by ICSL or reported in the Human Gene Mutation Database (HGMD: prior to June 1st, 2018), and was therefore a candidate for classification through an automated scoring system. Utilizing variant allele frequency, disease prevalence and penetrance estimates, and inheritance mode, an automated score was calculated to assess if this variant is too frequent to cause the disease. Based on the score and internal cut-off values, a variant classified as benign is not then subjected to further curation. The score for this variant resulted in a classification of benign for this disease.

Genetic Services Laboratory, University of Chicago
Classification: Benign. Last evaluated: 2017-05-18. Review status: criteria provided, single submitter. Criteria: ACMG Guidelines, 2015. Collection method: clinical testing. Allele origin: germline. Affected: no.

PreventionGenetics, part of Exact Sciences
Classification: Benign. Review status: criteria provided, single submitter. Criteria: ACMG Guidelines, 2015. Collection method: clinical testing. Allele origin: germline.

Natera, Inc.
Classification: Benign for Bardet-Biedl syndrome type 10. Last evaluated: 2020-09-16. Review status: no assertion criteria provided. Collection method: clinical testing. Allele origin: germline. Not counted in ClinVar's aggregate classification.

Clinical Genetics, Academic Medical Center
Classification: Benign. Review status: no assertion criteria provided. Collection method: clinical testing. Allele origin: germline. Affected: yes. Study: VKGL Data-share Consensus. Not counted in ClinVar's aggregate classification.

Genome Diagnostics Laboratory, Amsterdam University Medical Center
Classification: Benign. Review status: no assertion criteria provided. Collection method: clinical testing. Allele origin: germline. Affected: yes. Study: VKGL Data-share Consensus. Not counted in ClinVar's aggregate classification.

NM_024685.4(BBS10):c.966T>C (p.Tyr322=)

Gene: BBS10 (Bardet-Biedl syndrome 10; minus strand). Cytogenetic location: 12q21.2.
Variant type: single nucleotide variant.
Coding change: c.966T>C on transcript NM_024685.4 (MANE Select); coding-DNA position 966, T replaced by C.
Protein change: p.Tyr322=; no amino-acid change (tyrosine 322 retained).
Molecular consequence: synonymous variant.
Genome position (GRCh38, 1-based): chr12:76,347,019, A>G on the plus strand (T>C on the coding strand, the complement: BBS10 is on the minus strand). VCF-style: chr12-76347019-A-G. GRCh37 (hg19) VCF-style: chr12-76740799-A-G.
Other names: c.966T>C, p.Tyr322= (LRG_1255t1).
Identifiers: ClinVar variation 261758 (VCV000261758.27), dbSNP rs139053702, ClinGen allele CA6694253.